The following is an entry in ClinVar:

ClinVar aggregate classification (germline): Uncertain significance (1 of 4 stars; one submission).

gnomAD v4.1: 1 of 1,613,496 alleles (0.000062%); highest among the groups gnomAD compares: East Asian, 0.0022%; no homozygotes.

Submission:

GeneDx
Classification: Uncertain significance. Last evaluated: 2024-08-23. Review status: criteria provided, single submitter. Criteria: GeneDx Variant Classification Process June 2021. Collection method: clinical testing. Allele origin: germline. Affected: yes.
Comment: Not observed at significant frequency in large population cohorts (gnomAD); In silico analysis indicates that this missense variant does not alter protein structure/function; Has not been previously published as pathogenic or benign to our knowledge

NM_019066.5(MAGEL2):c.2952C>G (p.Ser984Arg)

Gene: MAGEL2 (MAGE family member L2; minus strand). Cytogenetic location: 15q11.2.
Variant type: single nucleotide variant.
Coding change: c.2952C>G on transcript NM_019066.5 (MANE Select); coding-DNA position 2952, C replaced by G.
Protein change: p.Ser984Arg; replaces serine 984 with arginine.
Molecular consequence: missense variant.
Genome position (GRCh38, 1-based): chr15:23,644,791, G>C on the plus strand (C>G on the coding strand, the complement: MAGEL2 is on the minus strand). VCF-style: chr15-23644791-G-C. GRCh37 (hg19) VCF-style: chr15-23889938-G-C.
Other names: short protein forms S984R.
Identifiers: ClinVar variation 3764371 (VCV003764371.1).